The following is an entry in ClinVar:

ClinVar aggregate classification (germline): Benign/Likely benign. Review status: criteria provided, multiple submitters, no conflicts (2 of 4 stars). 7 submissions from 7 submitters: Benign (2); Likely benign (4). 1 of the submissions does not count toward it. Last evaluated 2026-02-01.

Conditions:
SDHAF2-related disorder. Also called: SDHAF2-related condition.
Hereditary pheochromocytoma and paraganglioma. Also called: Hereditary Paraganglioma-Pheochromocytoma Syndromes; Hereditary paragangliomas and pheochromocytomas; Hereditary pheochromocytoma-paraganglioma. Identifiers: Orphanet 29072, MedGen C4274332, MONDO:0017366.
Hereditary cancer-predisposing syndrome. Also called: Tumor predisposition; Hereditary Cancer Syndrome; Hereditary neoplastic syndrome; Neoplastic Syndromes, Hereditary. Identifiers: Orphanet 140162, MedGen C0027672, MeSH D009386, MONDO:0015356.

Allele frequency attached by ClinVar (database versions not stated): gnomAD exomes 0.00006 and 0.00020; ExAC 0.00025; 1000 Genomes Project 0.00060; 1000 Genomes Project 30x 0.00062; gnomAD 0.00064 and 0.00067; TOPMed 0.00064; ESP Exome Variant Server 0.00115.
gnomAD v4.1: 189 of 1,614,006 alleles (0.012%); highest among the groups gnomAD compares: African/African-American, 0.22%; 1 homozygote.

Submissions (7):

Labcorp Genetics (formerly Invitae), Labcorp
Classification: Likely benign for Hereditary pheochromocytoma and paraganglioma. Last evaluated: 2026-02-01. Review status: criteria provided, single submitter. Criteria: Invitae Variant Classification Sherloc (09022015). Collection method: clinical testing. Allele origin: germline.

Blueprint Genetics
Classification: Likely benign. Last evaluated: 2024-06-11. Review status: criteria provided, single submitter. Criteria: ACMG Guidelines, 2015. Collection method: clinical testing. Allele origin: germline.

Color Diagnostics, LLC DBA Color Health
Classification: Benign for Hereditary pheochromocytoma and paraganglioma. Last evaluated: 2024-03-06. Review status: criteria provided, single submitter. Criteria: ACMG Guidelines, 2015. Collection method: clinical testing. Allele origin: germline.

Sema4
Classification: Benign for Hereditary cancer-predisposing syndrome. Last evaluated: 2021-09-11. Review status: criteria provided, single submitter. Criteria: Sema4 Curation Guidelines. Collection method: curation. Allele origin: germline.

Ambry Genetics
Classification: Likely benign for Hereditary cancer-predisposing syndrome. Last evaluated: 2019-03-29. Review status: criteria provided, single submitter. Criteria: Ambry Variant Classification Scheme 2023. Collection method: clinical testing. Allele origin: germline.

Eurofins Ntd Llc (ga)
Classification: Likely benign. Last evaluated: 2018-03-12. Review status: criteria provided, single submitter. Criteria: EGL ClinVar v180209 classification definitions. Collection method: clinical testing. Allele origin: germline. Observed: 1 variant allele, 1 heterozygote.

PreventionGenetics, part of Exact Sciences
Classification: Likely benign for SDHAF2-related condition. Last evaluated: 2023-09-14. Review status: no assertion criteria provided. Collection method: clinical testing. Allele origin: germline. Not counted in ClinVar's aggregate classification.
Comment: This variant is classified as likely benign based on ACMG/AMP sequence variant interpretation guidelines (Richards et al. 2015 PMID: 25741868, with internal and published modifications).

Literature cited by the submitters: PubMed 23666964 (cited by Ambry Genetics).

NM_017841.4(SDHAF2):c.319C>T (p.Arg107Cys)

Gene: SDHAF2 (succinate dehydrogenase complex assembly factor 2; plus strand). Cytogenetic location: 11q12.2.
Variant type: single nucleotide variant.
Coding change: c.319C>T on transcript NM_017841.4 (MANE Select); coding-DNA position 319, C replaced by T.
Protein change: p.Arg107Cys; replaces arginine 107 with cysteine.
Molecular consequence: missense variant.
Genome position (GRCh38, 1-based): chr11:61,438,062, C>T. VCF-style: chr11-61438062-C-T. GRCh37 (hg19) VCF-style: chr11-61205534-C-T.
Other names: short protein forms R107C.
Identifiers: ClinVar variation 416795 (VCV000416795.24), dbSNP rs140191819, ClinGen allele CA058430.
Genomic context (GRCh38, chr11:61,438,062, plus strand): 5'-AGTCTTTTTGCTAAAGAACATCTGCAGCACATGACAGAAAAGCAGCTGAACCTCTATGAC[C>T]GCCTGATTAACGAGCCTAGTAATGACTGGGATATTTACTACTGGGCCACAGGTACTGGGT-3'
Protein context (NP_060311.1, residues 97-117): MTEKQLNLYD[Arg107Cys]LINEPSNDWD